The following is an entry in ClinVar:

NM_004260.4(RECQL4):c.2685G>C (p.Arg895Ser)

Gene: RECQL4 (RecQ like helicase 4; minus strand). Cytogenetic location: 8q24.3.
Variant type: single nucleotide variant.
Coding change: c.2685G>C on transcript NM_004260.4 (MANE Select); coding-DNA position 2685, G replaced by C.
Protein change: p.Arg895Ser; replaces arginine 895 with serine.
Molecular consequence: missense variant.
Genome position (GRCh38, 1-based): chr8:144,512,917, C>G on the plus strand (G>C on the coding strand, the complement: RECQL4 is on the minus strand). VCF-style: chr8-144512917-C-G. GRCh37 (hg19) VCF-style: chr8-145738300-C-G.
Other names: c.2685G>C (NM_004260.3); short protein forms R895S.
Identifiers: ClinVar variation 1520077 (VCV001520077.7), dbSNP rs1259701902, ClinGen allele CA372675282.

ClinVar aggregate classification (germline): Uncertain significance. Review status: criteria provided, multiple submitters, no conflicts (2 of 4 stars). 2 submissions from 2 submitters: Uncertain significance (2). Last evaluated 2025-03-01.

Conditions:
Inborn genetic diseases. Identifiers: MedGen C0950123, MeSH D030342.
Baller-Gerold syndrome (BGS). Also called: CRANIOSYNOSTOSIS WITH RADIAL DEFECTS. Identifiers: Orphanet 1225, MedGen C0265308, MONDO:0009039, OMIM 218600.

Allele frequency attached by ClinVar (database versions not stated): TOPMed below 0.00001.

Submissions (2):

Ambry Genetics
Classification: Uncertain significance for Inborn genetic diseases. Last evaluated: 2025-03-01. Review status: criteria provided, single submitter. Criteria: Ambry Variant Classification Scheme 2023. Collection method: clinical testing. Allele origin: germline.
Comment: The p.R895S variant (also known as c.2685G>C), located in coding exon 15 of the RECQL4 gene, results from a G to C substitution at nucleotide position 2685. The arginine at codon 895 is replaced by serine, an amino acid with dissimilar properties. This amino acid position is conserved. In addition, this alteration is predicted to be tolerated by in silico analysis. Based on the available evidence, the clinical significance of this variant remains unclear.

Labcorp Genetics (formerly Invitae), Labcorp
Classification: Uncertain significance for Baller-Gerold syndrome. Last evaluated: 2022-01-16. Review status: criteria provided, single submitter. Criteria: Invitae Variant Classification Sherloc (09022015). Collection method: clinical testing. Allele origin: germline.
Comment: In summary, the available evidence is currently insufficient to determine the role of this variant in disease. Therefore, it has been classified as a Variant of Uncertain Significance. This variant is not present in population databases (gnomAD no frequency). This sequence change replaces arginine, which is basic and polar, with serine, which is neutral and polar, at codon 895 of the RECQL4 protein (p.Arg895Ser). This variant has not been reported in the literature in individuals affected with RECQL4-related conditions. Experimental studies and prediction algorithms are not available or were not evaluated, and the functional significance of this variant is currently unknown.